The following is an entry in ClinVar:

NM_025114.4(CEP290):c.2506_2507del (p.Glu836fs)

Gene: CEP290 (centrosomal protein 290; minus strand). Cytogenetic location: 12q21.32.
Variant type: Deletion.
Coding change: c.2506_2507del on transcript NM_025114.4 (MANE Select); coding-DNA positions 2506 to 2507, 2 bases deleted (GA; older notation c.2506_2507delGA).
Protein change: p.Glu836fs; shifts the reading frame from glutamic acid 836.
Molecular consequence: frameshift variant.
Genome position (GRCh38, 1-based): chr12:88,107,075-88,107,076, TC deleted on the plus strand (GA on the coding strand, the reverse complement: CEP290 is on the minus strand); deleting any 2 consecutive bases within chr12:88,107,075-88,107,077 gives the same sequence; the c. name uses the placement nearest the transcript's 3' end. VCF-style (leftmost placement, unchanged base first): chr12-88107074-TTC-T. GRCh37 (hg19) VCF-style: chr12-88500851-TTC-T.
Other names: c.2506_2507del (NM_025114.3); short protein forms E836fs.
Identifiers: ClinVar variation 1071060 (VCV001071060.13), dbSNP rs1223251937, ClinGen allele CA693083856.

ClinVar aggregate classification (germline): Pathogenic/Likely pathogenic. Review status: criteria provided, multiple submitters, no conflicts (2 of 4 stars). 5 submissions from 5 submitters: Pathogenic (3); Likely pathogenic (1). 1 of the submissions does not count toward it. Last evaluated 2025-07-17.

Conditions:
CEP290-related disorder. Also called: CEP290-related condition; CEP290-related disorders. Identifiers: MedGen CN239314.
Joubert syndrome. Also called: Familial aplasia of the vermis; CEREBELLOPARENCHYMAL DISORDER IV; JOUBERT-BOLTSHAUSER SYNDROME. Identifiers: Orphanet 475, MedGen C5979921, MONDO:0018772.
Meckel-Gruber syndrome. Also called: Dysencephalia splachnocystica; DYSENCEPHALIA SPLANCHNOCYSTICA; GRUBER SYNDROME. Identifiers: Orphanet 564, MedGen C0265215, MONDO:0018921.
Nephronophthisis. Also called: Juvenile Nephronophthisis. Identifiers: Orphanet 655, MedGen C0687120, MONDO:0019005, HP:0000090.
Bardet-Biedl syndrome 14 (BBS14). Identifiers: Orphanet 110, MedGen C2673874, MONDO:0014442, OMIM 615991.
Leber congenital amaurosis (LCA). Also called: Leber's amaurosis. Identifiers: Orphanet 65, MedGen C0339527, MeSH D057130, MONDO:0018998.

Submissions (5):

Natera, Inc.
Classification: Pathogenic for Leber congenital amaurosis. Last evaluated: 2025-07-17. Review status: criteria provided, single submitter. Criteria: Natera Variant Classification Schema (03/2026). Collection method: clinical testing. Allele origin: germline.
Comment: The c.2506_2507del variant in CEP290 is a frameshift variant predicted to shift the reading frame beginning at codon 836 and leads to a stop codon 2 codons downstream. This variant is expected to result in nonsense mediated decay, truncation, or a dysfunctional protein product. This variant is rare in the general population with a frequency below the threshold expected for the associated phenotype(s). This variant has been observed in one or more individuals affected with the associated recessive disease, as either homozygous or compound heterozygous with a second variant (PMID: 21153841). Given the available evidence, this variant is classified as Pathogenic.

Baylor Genetics
Classification: Pathogenic for Bardet-Biedl syndrome 14. Last evaluated: 2023-08-12. Review status: criteria provided, single submitter. Criteria: ACMG Guidelines, 2015. Collection method: clinical testing. Allele origin: unknown.

Labcorp Genetics (formerly Invitae), Labcorp
Classification: Pathogenic for Joubert syndrome; Meckel-Gruber syndrome; Nephronophthisis. Last evaluated: 2023-07-13. Review status: criteria provided, single submitter. Criteria: Invitae Variant Classification Sherloc (09022015). Collection method: clinical testing. Allele origin: germline.
Comment: This premature translational stop signal has been observed in individual(s) with Leber congenital amaurosis (PMID: 21153841). For these reasons, this variant has been classified as Pathogenic. ClinVar contains an entry for this variant (Variation ID: 1071060). This variant is also known as c.2505_2506delAG. This variant is not present in population databases (gnomAD no frequency). This sequence change creates a premature translational stop signal (p.Glu836Ilefs*2) in the CEP290 gene. It is expected to result in an absent or disrupted protein product. Loss-of-function variants in CEP290 are known to be pathogenic (PMID: 16909394, 17345604, 20690115).

Women's Health and Genetics/Laboratory Corporation of America, LabCorp
Classification: Likely pathogenic for CEP290-related disorder. Last evaluated: 2022-10-03. Review status: criteria provided, single submitter. Criteria: LabCorp Variant Classification Summary - May 2015. Collection method: clinical testing. Allele origin: germline.
Comment: Variant summary: CEP290 c.2506_2507delGA (p.Glu836IlefsX2) results in a premature termination codon, predicted to cause a truncation of the encoded protein or absence of the protein due to nonsense mediated decay, which are commonly known mechanisms for disease. Truncations downstream of this position have been classified as pathogenic by our laboratory. The variant was absent in 165760 control chromosomes (gnomAD). c.2506_2507delGA has been reported in the literature in at-least one individual affected with CEP290-Related Disorders (examples: Wiszniewski_2011 and Cideciyan_2018). These data do not allow any conclusion about variant significance. To our knowledge, no experimental evidence demonstrating an impact on protein function has been reported. One clinical diagnostic laboratory has submitted clinical-significance assessments for this variant to ClinVar after 2014 and classified the variant as pathogenic. Based on the evidence outlined above, the variant was classified as likely pathogenic.

PreventionGenetics, part of Exact Sciences
Classification: Pathogenic for CEP290-related condition. Last evaluated: 2023-12-29. Review status: no assertion criteria provided. Collection method: clinical testing. Allele origin: germline. Not counted in ClinVar's aggregate classification.
Comment: The CEP290 c.2506_2507delGA variant is predicted to result in a frameshift and premature protein termination (p.Glu836Ilefs*2). This variant has previously been reported to be causative for Leber congenital amaurosis (Wiszniewski et al. 2011. PubMed ID: 21153841, referred to as c.2505_2506delAG (p.G836IfsX2). To our knowledge, this variant has not been reported in a large population database, indicating this variant is rare. Frameshift variants in CEP290 are expected to be pathogenic. This variant is interpreted as pathogenic.

Literature cited by the submitters: PubMed 21153841 (cited by 3 submitters); PubMed 16909394 (cited by Labcorp Genetics (formerly Invitae), Labcorp); PubMed 17345604 (cited by Labcorp Genetics (formerly Invitae), Labcorp); PubMed 20690115 (cited by Labcorp Genetics (formerly Invitae), Labcorp); PubMed 30559420 (cited by Women's Health and Genetics/Laboratory Corporation of America, LabCorp).